The following is an entry in ClinVar:

NM_001127222.2(CACNA1A):c.203_214del (p.Arg68_Cys71del)

Gene: CACNA1A (calcium voltage-gated channel subunit alpha1 A; minus strand). Cytogenetic location: 19p13.13.
Variant type: Deletion.
Coding change: c.203_214del on transcript NM_001127222.2 (MANE Select); coding-DNA positions 203 to 214, 12 bases deleted (GACAGAACTGCC).
Protein change: p.Arg68_Cys71del.
Molecular consequence: inframe deletion. On other transcripts: inframe indel (1).
Genome position (GRCh38, 1-based): chr19:13,506,011-13,506,022, GGCAGTTCTGTC deleted on the plus strand (GACAGAACTGCC on the coding strand, the reverse complement: CACNA1A is on the minus strand); deleting any 12 consecutive bases within chr19:13,506,011-13,506,024 gives the same sequence; the c. name uses the placement nearest the transcript's 3' end. VCF-style (leftmost placement, unchanged base first): chr19-13506010-AGGCAGTTCTGTC-A. GRCh37 (hg19) VCF-style: chr19-13616824-AGGCAGTTCTGTC-A.
Other names: c.203_214del, p.Arg68_Cys71del (NM_000068.4, NM_001127221.2, NM_001174080.2 and 1 more transcripts); c.201_212delCCGACAGAACTG, p.Arg68_Cys71del (NM_001127221.1).
Identifiers: ClinVar variation 3343214 (VCV003343214.2).

ClinVar aggregate classification (germline): Likely pathogenic (1 of 4 stars; one submission).

Submission:

GeneDx
Classification: Likely pathogenic. Last evaluated: 2025-08-12. Review status: criteria provided, single submitter. Criteria: GeneDx Variant Classification Process June 2021. Collection method: clinical testing. Allele origin: germline.
Comment: Not observed at significant frequency in large population cohorts (gnomAD); In-frame deletion of 4 amino acid(s) in a non-repeat region; In silico analysis suggests that this variant does not alter protein structure/function; Has not been previously published as pathogenic or benign to our knowledge